The following is an entry in ClinVar:

ClinVar aggregate classification (germline): Uncertain significance (1 of 4 stars; one submission).

Allele frequency attached by ClinVar (database versions not stated): gnomAD 0.00001; TOPMed 0.00001; gnomAD exomes 0.00001.
gnomAD v4.1: 4 of 1,599,524 alleles (0.00025%); highest among the groups gnomAD compares: Admixed American, 0.0067%; no homozygotes.

Submission:

Labcorp Genetics (formerly Invitae), Labcorp
Classification: Uncertain significance. Last evaluated: 2025-02-24. Review status: criteria provided, single submitter. Criteria: Invitae Variant Classification Sherloc (09022015). Collection method: clinical testing. Allele origin: germline.
Comment: The COL18A1 gene has multiple clinically relevant transcripts. This variant occurs in alternate transcript NM_030582.3, and corresponds to NM_130445.3:c.107-12153A>G in the primary transcript. This sequence change replaces threonine, which is neutral and polar, with alanine, which is neutral and non-polar, at codon 187 of the COL18A1 protein (p.Thr187Ala). This variant is present in population databases (no rsID available, gnomAD 0.009%). This variant has not been reported in the literature in individuals affected with COL18A1-related conditions. ClinVar contains an entry for this variant (Variation ID: 1489142). Experimental studies and prediction algorithms are not available or were not evaluated, and the functional significance of this variant is currently unknown. Algorithms developed to predict the effect of sequence changes on RNA splicing suggest that this variant is not likely to affect RNA splicing. In summary, the available evidence is currently insufficient to determine the role of this variant in disease. Therefore, it has been classified as a Variant of Uncertain Significance.

NM_001379500.1(COL18A1):c.107-12153A>G

Gene: COL18A1 (collagen type XVIII alpha 1 chain; plus strand). Cytogenetic location: 21q22.3.
Variant type: single nucleotide variant.
Coding change: c.107-12153A>G on transcript NM_001379500.1 (MANE Select); 12153 bases into the intron before coding-DNA position 107, A replaced by G.
Molecular consequence: intron variant. On other transcripts: missense variant (2).
Genome position (GRCh38, 1-based): chr21:45,456,089, A>G. VCF-style: chr21-45456089-A-G. GRCh37 (hg19) VCF-style: chr21-46876003-A-G.
Other names: c.559A>G, p.Thr187Ala (NM_030582.4, NM_130444.3); short protein forms T187A.
Identifiers: ClinVar variation 1489142 (VCV001489142.6), dbSNP rs1314864524, ClinGen allele CA410506360.
Genomic context (GRCh38, chr21:45,456,089, plus strand): 5'-ACTCTCTGGCCCAGCCGTGGCATTCCTAGCTCTCCGGGCGCCCACACAACCGAGGCTGGC[A>G]CCTTGCCTGCACCCACCCCATCGCCTCCCTCCCTGGGCAGGCCCTGGGCACCACTCACGG-3'